The following is an entry in ClinVar:

NM_001605.3(AARS1):c.2630T>G (p.Leu877Arg)

Gene: AARS1 (alanyl-tRNA synthetase 1; minus strand). Cytogenetic location: 16q22.1.
Variant type: single nucleotide variant.
Coding change: c.2630T>G on transcript NM_001605.3 (MANE Select); coding-DNA position 2630, T replaced by G.
Protein change: p.Leu877Arg; replaces leucine 877 with arginine.
Molecular consequence: missense variant.
Genome position (GRCh38, 1-based): chr16:70,253,359, A>C on the plus strand (T>G on the coding strand, the complement: AARS1 is on the minus strand). VCF-style: chr16-70253359-A-C. GRCh37 (hg19) VCF-style: chr16-70287262-A-C.
Other names: short protein forms L877R.
Identifiers: ClinVar variation 2097549 (VCV002097549.4), dbSNP rs2152149752, ClinGen allele CA396554787.

ClinVar aggregate classification (germline): Uncertain significance (1 of 4 stars; one submission).

Conditions:
Charcot-Marie-Tooth disease type 2. Also called: Charcot-Marie-Tooth type 2. Identifiers: Orphanet 64746, MedGen C0270914, MONDO:0018993.

Submission:

Labcorp Genetics (formerly Invitae), Labcorp
Classification: Uncertain significance for Charcot-Marie-Tooth disease type 2. Last evaluated: 2022-03-18. Review status: criteria provided, single submitter. Criteria: Invitae Variant Classification Sherloc (09022015). Collection method: clinical testing. Allele origin: germline.
Comment: In summary, the available evidence is currently insufficient to determine the role of this variant in disease. Therefore, it has been classified as a Variant of Uncertain Significance. Algorithms developed to predict the effect of missense changes on protein structure and function are either unavailable or do not agree on the potential impact of this missense change (SIFT: "Deleterious"; PolyPhen-2: "Possibly Damaging"; Align-GVGD: "Class C0"). This variant has not been reported in the literature in individuals affected with AARS-related conditions. This variant is not present in population databases (gnomAD no frequency). This sequence change replaces leucine, which is neutral and non-polar, with arginine, which is basic and polar, at codon 877 of the AARS protein (p.Leu877Arg).